The following is an entry in ClinVar:

NM_080552.3(SLC32A1):c.460_462del (p.Phe154del)

Gene: SLC32A1 (solute carrier family 32 member 1; plus strand). Cytogenetic location: 20q11.23.
Variant type: Deletion.
Coding change: c.460_462del on transcript NM_080552.3 (MANE Select); coding-DNA positions 460 to 462, 3 bases deleted (TTC; older notation c.460_462delTTC).
Protein change: p.Phe154del; deletes phenylalanine 154.
Molecular consequence: inframe deletion.
Genome position (GRCh38, 1-based): chr20:38,727,521-38,727,523, TTC deleted; deleting any 3 consecutive bases within chr20:38,727,519-38,727,523 gives the same sequence; the c. name uses the placement nearest the transcript's 3' end. VCF-style (leftmost placement, unchanged base first): chr20-38727518-ATCT-A. GRCh37 (hg19) VCF-style: chr20-37356161-ATCT-A.
Other names: short protein forms F154del.
Identifiers: ClinVar variation 4845397 (VCV004845397.1).

ClinVar aggregate classification (germline): Uncertain significance (1 of 4 stars; one submission).

Conditions:
Generalized epilepsy with febrile seizures plus, type 12. Also called: GEFS+, TYPE 12. Identifiers: MedGen C5935592, MONDO:0958324, OMIM 620755.

Submission:

Institute of Human Genetics, University of Leipzig Medical Center
Classification: Uncertain significance for Generalized epilepsy with febrile seizures plus, type 12. Last evaluated: 2026-03-27. Review status: criteria provided, single submitter. Criteria: ACMG Guidelines, 2015. Collection method: clinical testing. Allele origin: unknown. Affected: yes.
Comment: Criteria applied: PM2,PM4_SUP